The following is an entry in ClinVar:

NM_001164508.2(NEB):c.24518C>T (p.Thr8173Ile)

Genes: NEB (nebulin; minus strand), RIF1 (replication timing regulatory factor 1; plus strand). Cytogenetic location: 2q23.3.
Variant type: single nucleotide variant.
Coding change: c.24518C>T on transcript NM_001164508.2 (MANE Select); coding-DNA position 24518, C replaced by T.
Protein change: p.Thr8173Ile; replaces threonine 8173 with isoleucine.
Molecular consequence: missense variant.
Genome position (GRCh38, 1-based): chr2:151,494,222, G>A on the plus strand (C>T on the coding strand, the complement: NEB is on the minus strand). VCF-style: chr2-151494222-G-A. GRCh37 (hg19) VCF-style: chr2-152350736-G-A.
Other names: c.24518C>T, p.Thr8173Ile (NM_001164507.2); c.24623C>T, p.Thr8208Ile (NM_001271208.2); c.18950C>T, p.Thr6317Ile (NM_004543.5); short protein forms T6317I, T8173I, T8208I.
Identifiers: ClinVar variation 2712296 (VCV002712296.3), dbSNP rs2551740949, ClinGen allele CA348776898.

ClinVar aggregate classification (germline): Uncertain significance (1 of 4 stars; one submission).

Conditions:
Nemaline myopathy 2 (NEM2). Also called: Nemaline myopathy 2, autosomal recessive. Identifiers: MedGen C1850569, MONDO:0009725, OMIM 256030.

Submission:

Labcorp Genetics (formerly Invitae), Labcorp
Classification: Uncertain significance for Nemaline myopathy 2. Last evaluated: 2024-05-15. Review status: criteria provided, single submitter. Criteria: Invitae Variant Classification Sherloc (09022015). Collection method: clinical testing. Allele origin: germline.
Comment: This sequence change replaces threonine, which is neutral and polar, with isoleucine, which is neutral and non-polar, at codon 8208 of the NEB protein (p.Thr8208Ile). This variant is not present in population databases (gnomAD no frequency). This variant has not been reported in the literature in individuals affected with NEB-related conditions. Experimental studies and prediction algorithms are not available or were not evaluated, and the functional significance of this variant is currently unknown. In summary, the available evidence is currently insufficient to determine the role of this variant in disease. Therefore, it has been classified as a Variant of Uncertain Significance.